The following is an entry in ClinVar:

ClinVar aggregate classification (germline): Uncertain significance. Review status: criteria provided, multiple submitters, no conflicts (2 of 4 stars). 2 submissions from 2 submitters: Uncertain significance (2). Last evaluated 2025-02-12.

Conditions:
Inborn genetic diseases. Identifiers: MedGen C0950123, MeSH D030342.

Allele frequency attached by ClinVar (database versions not stated): gnomAD exomes 0.00011; gnomAD 0.00001; ExAC 0.00008; TOPMed 0.00004.

Submissions (2):

Ambry Genetics
Classification: Uncertain significance for Inborn genetic diseases. Last evaluated: 2025-02-12. Review status: criteria provided, single submitter. Criteria: Ambry Variant Classification Scheme 2023. Collection method: clinical testing. Allele origin: germline.

Labcorp Genetics (formerly Invitae), Labcorp
Classification: Uncertain significance. Last evaluated: 2023-07-17. Review status: criteria provided, single submitter. Criteria: Invitae Variant Classification Sherloc (09022015). Collection method: clinical testing. Allele origin: germline.
Comment: This sequence change replaces arginine, which is basic and polar, with histidine, which is basic and polar, at codon 199 of the CNGB1 protein (p.Arg199His). This variant is present in population databases (rs761720019, gnomAD 0.05%). This variant has not been reported in the literature in individuals affected with CNGB1-related conditions. ClinVar contains an entry for this variant (Variation ID: 1003984). Advanced modeling of protein sequence and biophysical properties (such as structural, functional, and spatial information, amino acid conservation, physicochemical variation, residue mobility, and thermodynamic stability) performed at Invitae indicates that this missense variant is not expected to disrupt CNGB1 protein function. In summary, the available evidence is currently insufficient to determine the role of this variant in disease. Therefore, it has been classified as a Variant of Uncertain Significance.

NM_001297.5(CNGB1):c.596G>A (p.Arg199His)

Gene: CNGB1 (cyclic nucleotide gated channel subunit beta 1; minus strand). Cytogenetic location: 16q21.
Variant type: single nucleotide variant.
Coding change: c.596G>A on transcript NM_001297.5 (MANE Select); coding-DNA position 596, G replaced by A.
Protein change: p.Arg199His; replaces arginine 199 with histidine.
Molecular consequence: missense variant.
Genome position (GRCh38, 1-based): chr16:57,960,053, C>T on the plus strand (G>A on the coding strand, the complement: CNGB1 is on the minus strand). VCF-style: chr16-57960053-C-T. GRCh37 (hg19) VCF-style: chr16-57993957-C-T.
Other names: c.596G>A, p.Arg199His (NM_001135639.2); c.578G>A, p.Arg193His (NM_001286130.2); c.596G>A (NM_001297.4); short protein forms R193H, R199H.
Identifiers: ClinVar variation 1003984 (VCV001003984.5), dbSNP rs761720019, ClinGen allele CA8083736.